The following is an entry in ClinVar:

ClinVar aggregate classification (germline): Uncertain significance. Review status: criteria provided, multiple submitters, no conflicts (2 of 4 stars). 2 submissions from 2 submitters: Uncertain significance (2). Last evaluated 2023-11-06.

Conditions:
Ataxia-telangiectasia syndrome (AT). Also called: LOUIS-BAR SYNDROME; Cerebello-oculocutaneous telangiectasia; Immunodeficiency with ataxia telangiectasia; Ataxia telangiectasia (A-T); Ataxia-telangiectasia, complementation group D; AT, COMPLEMENTATION GROUP C. Identifiers: Orphanet 100, MedGen C0004135, MONDO:0008840, OMIM 208900.

Submissions (2):

Women's Health and Genetics/Laboratory Corporation of America, LabCorp
Classification: Uncertain significance. Last evaluated: 2023-11-06. Review status: criteria provided, single submitter. Criteria: LabCorp Variant Classification Summary - May 2015. Collection method: clinical testing. Allele origin: germline.
Comment: Variant summary: ATM c.6452G>C (p.Arg2151Thr) results in a non-conservative amino acid change located in the PIK-related kinase, FAT (IPR003151) of the encoded protein sequence. Three of five in-silico tools predict a damaging effect of the variant on protein function. This variant also falls at the last nucleotide of exon 44, which is within the consensus splice region for this exon. Several computational tools predict a significant impact on normal splicing: Three predict the variant abolishes the 5' canonical splicing donor site. One predict the variant no significant impact on splicing. However, these predictions have yet to be confirmed by functional studies. The variant was absent in 248184 control chromosomes. c.6452G>C has been reported at a homozygous state in at-least one individual affected with Ataxia-telangiectasia (example, Amirifar_2022, Amirifar_2021, Azizi_2023). These data indicate that the variant may be associated with disease. To our knowledge, no experimental evidence demonstrating an impact on protein function has been reported. The following publications have been ascertained in the context of this evaluation (PMID: 34628594, 33547824, 36790564). One submitter has cited clinical-significance assessments for this variant to ClinVar after 2014 and has classified the variant as uncertain significance. Based on the evidence outlined above, the variant was classified as VUS-possibly pathogenic.

Labcorp Genetics (formerly Invitae), Labcorp
Classification: Uncertain significance for Ataxia-telangiectasia syndrome. Last evaluated: 2021-08-06. Review status: criteria provided, single submitter. Criteria: Invitae Variant Classification Sherloc (09022015). Collection method: clinical testing. Allele origin: germline.
Comment: In summary, the available evidence is currently insufficient to determine the role of this variant in disease. Therefore, it has been classified as a Variant of Uncertain Significance. Variants that disrupt the consensus splice site are a relatively common cause of aberrant splicing (PMID: 17576681, 9536098). Algorithms developed to predict the effect of sequence changes on RNA splicing suggest that this variant may disrupt the consensus splice site. Algorithms developed to predict the effect of missense changes on protein structure and function are either unavailable or do not agree on the potential impact of this missense change (SIFT: "Tolerated"; PolyPhen-2: "Possibly Damaging"; Align-GVGD: "Class C0"). This variant has not been reported in the literature in individuals affected with ATM-related conditions. This variant is not present in population databases (ExAC no frequency). This sequence change replaces arginine with threonine at codon 2151 of the ATM protein (p.Arg2151Thr). The arginine residue is highly conserved and there is a moderate physicochemical difference between arginine and threonine. This variant also falls at the last nucleotide of exon 44, which is part of the consensus splice site for this exon.

Literature cited by the submitters: PubMed 33547824 (cited by Women's Health and Genetics/Laboratory Corporation of America, LabCorp); PubMed 34628594 (cited by Women's Health and Genetics/Laboratory Corporation of America, LabCorp); PubMed 36790564 (cited by Women's Health and Genetics/Laboratory Corporation of America, LabCorp); PubMed 17576681 (cited by Labcorp Genetics (formerly Invitae), Labcorp); PubMed 9536098 (cited by Labcorp Genetics (formerly Invitae), Labcorp).

NM_000051.4(ATM):c.6452G>C (p.Arg2151Thr)

Genes: C11orf65 (chromosome 11 open reading frame 65; minus strand), ATM (ATM serine/threonine kinase; plus strand). Cytogenetic location: 11q22.3.
Variant type: single nucleotide variant.
Coding change: c.6452G>C on transcript NM_000051.4 (MANE Select); coding-DNA position 6452, G replaced by C.
Protein change: p.Arg2151Thr; replaces arginine 2151 with threonine.
Molecular consequence: missense variant. On other transcripts: intron variant (2).
Genome position (GRCh38, 1-based): chr11:108,320,058, G>C. VCF-style: chr11-108320058-G-C. GRCh37 (hg19) VCF-style: chr11-108190785-G-C.
Other names: c.6452G>C, p.Arg2151Thr (NM_001351834.2); c.641-10987C>G (NM_001330368.2); c.*39-10987C>G (NM_001351110.2); short protein forms R2151T.
Identifiers: ClinVar variation 1476184 (VCV001476184.7), dbSNP rs2136222746, ClinGen allele CA382553681.